The following is an entry in ClinVar:

ClinVar aggregate classification (germline): Uncertain significance (1 of 4 stars; one submission).

Allele frequency attached by ClinVar (database versions not stated): gnomAD 0.00002; TOPMed 0.00002.
gnomAD v4.1: 14 of 1,609,686 alleles (0.00087%); highest among the groups gnomAD compares: Non-Finnish European, 0.0012%; no homozygotes.

Submission:

Labcorp Genetics (formerly Invitae), Labcorp
Classification: Uncertain significance. Last evaluated: 2021-05-20. Review status: criteria provided, single submitter. Criteria: Invitae Variant Classification Sherloc (09022015). Collection method: clinical testing. Allele origin: germline.
Comment: This sequence change replaces isoleucine with threonine at codon 100 of the CLUAP1 protein (p.Ile100Thr). The isoleucine residue is moderately conserved and there is a moderate physicochemical difference between isoleucine and threonine. This variant is not present in population databases (ExAC no frequency). This variant has not been reported in the literature in individuals with CLUAP1-related conditions. Algorithms developed to predict the effect of missense changes on protein structure and function are either unavailable or do not agree on the potential impact of this missense change (SIFT: "Tolerated"; PolyPhen-2: "Possibly Damaging"; Align-GVGD: "Class C0"). In summary, the available evidence is currently insufficient to determine the role of this variant in disease. Therefore, it has been classified as a Variant of Uncertain Significance.

NM_015041.3(CLUAP1):c.299T>C (p.Ile100Thr)

Gene: CLUAP1 (clusterin associated protein 1; plus strand). Cytogenetic location: 16p13.3.
Variant type: single nucleotide variant.
Coding change: c.299T>C on transcript NM_015041.3 (MANE Select); coding-DNA position 299, T replaced by C.
Protein change: p.Ile100Thr; replaces isoleucine 100 with threonine.
Molecular consequence: missense variant.
Genome position (GRCh38, 1-based): chr16:3,508,368, T>C. VCF-style: chr16-3508368-T-C. GRCh37 (hg19) VCF-style: chr16-3558368-T-C.
Other names: c.299T>C, p.Ile100Thr (NM_001330454.2); short protein forms I100T.
Identifiers: ClinVar variation 1477432 (VCV001477432.8), dbSNP rs1168418675, ClinGen allele CA394512296.